The following is an entry in ClinVar:

ClinVar aggregate classification (germline): Uncertain significance (1 of 4 stars; one submission).

Submission:

Labcorp Genetics (formerly Invitae), Labcorp
Classification: Uncertain significance. Last evaluated: 2022-05-30. Review status: criteria provided, single submitter. Criteria: Invitae Variant Classification Sherloc (09022015). Collection method: clinical testing. Allele origin: germline.
Comment: This sequence change replaces proline, which is neutral and non-polar, with leucine, which is neutral and non-polar, at codon 1070 of the GRIN2D protein (p.Pro1070Leu). The frequency data for this variant in the population databases is considered unreliable, as metrics indicate insufficient coverage at this position in the gnomAD database. This variant has not been reported in the literature in individuals affected with GRIN2D-related conditions. Advanced modeling of protein sequence and biophysical properties (such as structural, functional, and spatial information, amino acid conservation, physicochemical variation, residue mobility, and thermodynamic stability) performed at Invitae indicates that this missense variant is not expected to disrupt GRIN2D protein function. In summary, the available evidence is currently insufficient to determine the role of this variant in disease. Therefore, it has been classified as a Variant of Uncertain Significance.

NM_000836.4(GRIN2D):c.3209C>T (p.Pro1070Leu)

Gene: GRIN2D (glutamate ionotropic receptor NMDA type subunit 2D; plus strand). Cytogenetic location: 19q13.33.
Variant type: single nucleotide variant.
Coding change: c.3209C>T on transcript NM_000836.4 (MANE Select); coding-DNA position 3209, C replaced by T.
Protein change: p.Pro1070Leu; replaces proline 1070 with leucine.
Molecular consequence: missense variant.
Genome position (GRCh38, 1-based): chr19:48,443,135, C>T. VCF-style: chr19-48443135-C-T. GRCh37 (hg19) VCF-style: chr19-48946392-C-T.
Other names: short protein forms P1070L.
Identifiers: ClinVar variation 2001248 (VCV002001248.4), dbSNP rs1489644268, ClinGen allele CA406675114.
Genomic context (GRCh38, chr19:48,443,135, plus strand): 5'-TCGAGGACGAGAGCCCGCCGGCGCCCGCGCGGTGGCCGCGCTCGGACCCCGAGAGCCAAC[C>T]CCTGCTGGGGCCAGGCGCGGGCGGCGCGGGGGGCACGGGGGGCGCAGGCGGAGGAGCCCC-3'
Protein context (NP_000827.2, residues 1060-1080): RWPRSDPESQ[Pro1070Leu]LLGPGAGGAG